The following is an entry in ClinVar:

ClinVar aggregate classification (germline): Uncertain significance (1 of 4 stars; one submission).

Conditions:
Brugada syndrome. Also called: Sudden unexpected nocturnal death syndrome; Sudden unexplained nocturnal death syndrome; Sudden Unexplained Death Syndrome; Sudden Unexplained Nocturnal Death Syndrome (SUNDS). Identifiers: Orphanet 130, MedGen C1142166, MONDO:0015263.

gnomAD v4.1: 1 of 1,604,902 alleles (0.000062%); highest among the groups gnomAD compares: Non-Finnish European, 0.000085%; no homozygotes.

Submission:

Labcorp Genetics (formerly Invitae), Labcorp
Classification: Uncertain significance for Brugada syndrome. Last evaluated: 2025-05-13. Review status: criteria provided, single submitter. Criteria: Invitae Variant Classification Sherloc (09022015). Collection method: clinical testing. Allele origin: germline.
Comment: This sequence change replaces aspartic acid, which is acidic and polar, with valine, which is neutral and non-polar, at codon 834 of the CACNA2D1 protein (p.Asp834Val). This variant is not present in population databases (gnomAD no frequency). This variant has not been reported in the literature in individuals affected with CACNA2D1-related conditions. An algorithm developed to predict the effect of missense changes on protein structure and function (PolyPhen-2) suggests that this variant is likely to be tolerated. Algorithms developed to predict the effect of sequence changes on RNA splicing suggest that this variant may disrupt the consensus splice site. In summary, the available evidence is currently insufficient to determine the role of this variant in disease. Therefore, it has been classified as a Variant of Uncertain Significance.

NM_000722.4(CACNA2D1):c.2501A>T (p.Asp834Val)

Gene: CACNA2D1 (calcium voltage-gated channel auxiliary subunit alpha2delta 1; minus strand). Cytogenetic location: 7q21.11.
Variant type: single nucleotide variant.
Coding change: c.2501A>T on transcript NM_000722.4 (MANE Select); coding-DNA position 2501, A replaced by T.
Protein change: p.Asp834Val; replaces aspartic acid 834 with valine.
Molecular consequence: missense variant.
Genome position (GRCh38, 1-based): chr7:81,967,170, T>A on the plus strand (A>T on the coding strand, the complement: CACNA2D1 is on the minus strand). VCF-style: chr7-81967170-T-A. GRCh37 (hg19) VCF-style: chr7-81596486-T-A.
Other names: c.2537A>T, p.Asp846Val (NM_001366867.1); short protein forms D846V, D834V.
Identifiers: ClinVar variation 4749417 (VCV004749417.1).